The following is an entry in ClinVar:

NM_139137.4(KCNC2):c.1044G>T (p.Arg348Ser)

Gene: KCNC2 (potassium voltage-gated channel subfamily C member 2; minus strand). Cytogenetic location: 12q21.1.
Variant type: single nucleotide variant.
Coding change: c.1044G>T on transcript NM_139137.4 (MANE Select); coding-DNA position 1044, G replaced by T.
Protein change: p.Arg348Ser; replaces arginine 348 with serine.
Molecular consequence: missense variant. On other transcripts: non-coding transcript variant (1).
Genome position (GRCh38, 1-based): chr12:75,050,961, C>A on the plus strand (G>T on the coding strand, the complement: KCNC2 is on the minus strand). VCF-style: chr12-75050961-C-A. GRCh37 (hg19) VCF-style: chr12-75444741-C-A.
Other names: c.1044G>T, p.Arg348Ser (NM_001260497.2, NM_001260498.2, NM_001260499.2 and 13 more transcripts); short protein forms R348S.
Identifiers: ClinVar variation 3603172 (VCV003603172.1).

ClinVar aggregate classification (germline): Uncertain significance (1 of 4 stars; one submission).

Submission:

GeneDx
Classification: Uncertain significance. Last evaluated: 2024-08-08. Review status: criteria provided, single submitter. Criteria: GeneDx Variant Classification Process June 2021. Collection method: clinical testing. Allele origin: germline. Affected: yes.
Comment: Not observed at significant frequency in large population cohorts (gnomAD); In silico analysis supports that this missense variant has a deleterious effect on protein structure/function; Has not been previously published as pathogenic or benign to our knowledge